The following is an entry in ClinVar:

ClinVar aggregate classification (germline): Uncertain significance (1 of 4 stars; one submission).

gnomAD v4.1: 1 of 1,602,990 alleles (0.000062%); highest among the groups gnomAD compares: Non-Finnish European, 0.000085%; no homozygotes.

Submission:

GeneDx
Classification: Uncertain significance. Last evaluated: 2025-06-30. Review status: criteria provided, single submitter. Criteria: GeneDx Variant Classification Process June 2021. Collection method: clinical testing. Allele origin: germline.
Comment: Not observed at significant frequency in large population cohorts (gnomAD); In silico analysis supports that this missense variant has a deleterious effect on protein structure/function; Has not been previously published as pathogenic or benign to our knowledge

NM_005862.3(STAG1):c.2480C>A (p.Ser827Tyr)

Gene: STAG1 (STAG1 cohesin complex component; minus strand). Cytogenetic location: 3q22.3.
Variant type: single nucleotide variant.
Coding change: c.2480C>A on transcript NM_005862.3 (MANE Select); coding-DNA position 2480, C replaced by A.
Protein change: p.Ser827Tyr; replaces serine 827 with tyrosine.
Molecular consequence: missense variant.
Genome position (GRCh38, 1-based): chr3:136,369,173, G>T on the plus strand (C>A on the coding strand, the complement: STAG1 is on the minus strand). VCF-style: chr3-136369173-G-T. GRCh37 (hg19) VCF-style: chr3-136088015-G-T.
Other names: short protein forms S827Y.
Identifiers: ClinVar variation 3361164 (VCV003361164.2).